The following is an entry in ClinVar:

NM_182706.5(SCRIB):c.760C>T (p.Leu254=)

Gene: SCRIB (scribble planar cell polarity protein; minus strand). Cytogenetic location: 8q24.3.
Variant type: single nucleotide variant.
Coding change: c.760C>T on transcript NM_182706.5 (MANE Select); coding-DNA position 760, C replaced by T.
Protein change: p.Leu254=; no amino-acid change (leucine 254 retained).
Molecular consequence: synonymous variant.
Genome position (GRCh38, 1-based): chr8:143,812,844, G>A on the plus strand (C>T on the coding strand, the complement: SCRIB is on the minus strand). VCF-style: chr8-143812844-G-A. GRCh37 (hg19) VCF-style: chr8-144895014-G-A.
Other names: c.760C>T, p.Leu254= (NM_015356.5).
Identifiers: ClinVar variation 713861 (VCV000713861.15), dbSNP rs144565607, ClinGen allele CA187612602.
Genomic context (GRCh38, chr8:143,812,844, plus strand): 5'-GTGCCCCACCCAGGCACCCCCAGGCACACTAACCGATGCCGTCGGGCAGCCTCCGCAGCA[G>A]GTTCTGGGACAGCAGCAGGTCAGTGAGCAGCACCAGCCCGCCGAGCTCAGCAGGCAGCTC-3'
Protein context (NP_874365.3, residues 244-264): LLTDLLLSQN[Leu254=]LRRLPDGIGQ

ClinVar aggregate classification (germline): Benign. Review status: criteria provided, multiple submitters, no conflicts (2 of 4 stars). 3 submissions from 3 submitters: Benign (3). Last evaluated 2025-05-01.

Allele frequency attached by ClinVar (database versions not stated): 1000 Genomes Project 30x 0.00375; 1000 Genomes Project 0.00399; gnomAD 0.00805 and 0.00833; TOPMed 0.00820; ExAC 0.00826; gnomAD exomes 0.00832 and 0.01125; ESP Exome Variant Server 0.00908.
gnomAD v4.1: 17,457 of 1,604,468 alleles (1.1%); highest among the groups gnomAD compares: Non-Finnish European, 1.3%; 116 homozygotes.

Submissions (3):

CeGaT Center for Human Genetics Tuebingen
Classification: Benign. Last evaluated: 2025-05-01. Review status: criteria provided, single submitter. Criteria: CeGaT Center For Human Genetics Tuebingen Variant Classification Criteria Version 2. Collection method: clinical testing. Allele origin: germline. Affected: yes. Observed: 1 variant allele.
Comment: SCRIB: BP4, BP7, BS1, BS2

Labcorp Genetics (formerly Invitae), Labcorp
Classification: Benign. Last evaluated: 2019-12-31. Review status: criteria provided, single submitter. Criteria: Invitae Variant Classification Sherloc (09022015). Collection method: clinical testing. Allele origin: germline.

Breakthrough Genomics
Classification: Benign. Review status: criteria provided, single submitter. Criteria: ACMG Guidelines, 2015. Collection method: not provided. Allele origin: germline. Inheritance: Unknown mechanism. Affected: yes.